The following is an entry in ClinVar:

NM_004706.4(ARHGEF1):c.130A>G (p.Ser44Gly)

Gene: ARHGEF1 (Rho guanine nucleotide exchange factor 1; plus strand). Cytogenetic location: 19q13.2.
Variant type: single nucleotide variant.
Coding change: c.130A>G on transcript NM_004706.4 (MANE Select); coding-DNA position 130, A replaced by G.
Protein change: p.Ser44Gly; replaces serine 44 with glycine.
Molecular consequence: missense variant. On other transcripts: non-coding transcript variant (2).
Genome position (GRCh38, 1-based): chr19:41,888,770, A>G. VCF-style: chr19-41888770-A-G. GRCh37 (hg19) VCF-style: chr19-42392841-A-G.
Other names: c.130A>G, p.Ser44Gly (NM_001396000.1, NM_001396002.1, NM_001396003.1 and 3 more transcripts); c.175A>G, p.Ser59Gly (NM_199002.2); short protein forms S44G, S59G.
Identifiers: ClinVar variation 2431777 (VCV002431777.1), dbSNP rs2513761262, ClinGen allele CA406043849.

ClinVar aggregate classification (germline): Uncertain significance (1 of 4 stars; one submission).

Conditions:
Immunodeficiency 62. Identifiers: Orphanet 696942, MedGen C5193109, MONDO:0032763, OMIM 618459.

Allele frequency attached by ClinVar (database versions not stated): gnomAD exomes below 0.00001.
gnomAD v4.1: 2 of 1,614,186 alleles (0.00012%); highest among the groups gnomAD compares: Non-Finnish European, 0.000085%; no homozygotes.

Submission:

Laboratorio de Genetica e Diagnostico Molecular, Hospital Israelita Albert Einstein
Classification: Uncertain significance for Immunodeficiency 62. Last evaluated: 2023-01-27. Review status: criteria provided, single submitter. Criteria: ACMG Guidelines, 2015. Collection method: clinical testing. Allele origin: germline. Affected: yes. Observed: 1 variant allele.
Comment: ACMG classification criteria: PM2 moderated, BP4 supporting